The following is an entry in ClinVar:

NM_016474.5(CCDC174):c.307G>A (p.Asp103Asn)

Gene: CCDC174 (coiled-coil domain containing 174; plus strand). Cytogenetic location: 3p25.1.
Variant type: single nucleotide variant.
Coding change: c.307G>A on transcript NM_016474.5 (MANE Select); coding-DNA position 307, G replaced by A.
Protein change: p.Asp103Asn; replaces aspartic acid 103 with asparagine.
Molecular consequence: missense variant. On other transcripts: non-coding transcript variant (1).
Genome position (GRCh38, 1-based): chr3:14,658,929, G>A. VCF-style: chr3-14658929-G-A. GRCh37 (hg19) VCF-style: chr3-14700436-G-A.
Other names: NC_000003.11:g.14700436G>A; short protein forms D103N.
Identifiers: ClinVar variation 709747 (VCV000709747.6), dbSNP rs143535330, ClinGen allele CA2270005.

ClinVar aggregate classification (germline): Likely benign. Review status: criteria provided, single submitter (1 of 4 stars). 2 submissions from 2 submitters: Likely benign (1). 1 of the submissions does not count toward it. Last evaluated 2018-06-29.

Conditions:
CCDC174-related disorder. Also called: CCDC174-related condition.

Allele frequency attached by ClinVar (database versions not stated): gnomAD exomes 0.00025 and 0.00044; 1000 Genomes Project 0.00160; gnomAD 0.00201 and 0.00208; ExAC 0.00059; ESP Exome Variant Server 0.00178; TOPMed 0.00215; 1000 Genomes Project 30x 0.00172.
gnomAD v4.1: 662 of 1,509,208 alleles (0.044%); highest among the groups gnomAD compares: African/African-American, 0.65%; no homozygotes.

Submissions (4):

Labcorp Genetics (formerly Invitae), Labcorp
Classification: Likely benign. Last evaluated: 2018-06-29. Review status: criteria provided, single submitter. Criteria: Invitae Variant Classification Sherloc (09022015). Collection method: clinical testing. Allele origin: germline.

PreventionGenetics, part of Exact Sciences
Classification: Likely benign for CCDC174-related condition. Last evaluated: 2020-07-07. Review status: no assertion criteria provided. Collection method: clinical testing. Allele origin: germline. Not counted in ClinVar's aggregate classification.
Comment: This variant is classified as likely benign based on ACMG/AMP sequence variant interpretation guidelines (Richards et al. 2015 PMID: 25741868, with internal and published modifications).

Dr. Peter K. Rogan Lab, Western University
No classification provided (evidence only). Condition: Malignant tumor of urinary bladder. Review status: no classification provided. Collection method: in vitro. Allele origin: not applicable. Functional consequence: retained intron. Not counted in ClinVar's aggregate classification.

Dr. Peter K. Rogan Lab, Western University
No classification provided (evidence only). Condition: Colon adenocarcinoma. Review status: no classification provided. Collection method: in vitro. Allele origin: not applicable. Functional consequence: retained intron. Not counted in ClinVar's aggregate classification.